The following is an entry in ClinVar:

NM_194293.4(XIRP1):c.959G>A (p.Arg320Gln)

Gene: XIRP1 (xin actin binding repeat containing 1; minus strand). Cytogenetic location: 3p22.2.
Variant type: single nucleotide variant.
Coding change: c.959G>A on transcript NM_194293.4 (MANE Select); coding-DNA position 959, G replaced by A.
Protein change: p.Arg320Gln; replaces arginine 320 with glutamine.
Molecular consequence: missense variant. On other transcripts: intron variant (1).
Genome position (GRCh38, 1-based): chr3:39,188,487, C>T on the plus strand (G>A on the coding strand, the complement: XIRP1 is on the minus strand). VCF-style: chr3-39188487-C-T. GRCh37 (hg19) VCF-style: chr3-39229978-C-T.
Other names: c.959G>A, p.Arg320Gln (NM_001198621.4); c.-167-2826G>A (NM_001351377.2); c.959G>A (NM_194293.2); short protein forms R320Q.
Identifiers: ClinVar variation 2653688 (VCV002653688.25), dbSNP rs34001521, ClinGen allele CA2326612.
Genomic context (GRCh38, chr3:39,188,487, plus strand): 5'-GGACCAGGTGGGATAAGGTCTGGGGATGGCTGGAAGTCCTTCTCATCTACCAAGATCTCC[C>T]GGATGGCATCCAGGGGCTGTGTCTCAAAGATCCAGCGAGTTGCACTGACGTCGGGCCGGG-3'
Protein context (NP_919269.2, residues 310-330): IFETQPLDAI[Arg320Gln]EILVDEKDFQ

ClinVar aggregate classification (germline): Likely benign. Review status: criteria provided, single submitter (1 of 4 stars). 2 submissions from 2 submitters: Likely benign (1). 1 of the submissions does not count toward it. Last evaluated 2022-09-01.

Conditions:
XIRP1-related disorder. Also called: XIRP1-related condition.

Allele frequency attached by ClinVar (database versions not stated): gnomAD exomes 0.00023; ExAC 0.00064; 1000 Genomes Project 0.00160; ESP Exome Variant Server 0.00169; 1000 Genomes Project 30x 0.00172; gnomAD 0.00208; TOPMed 0.00214.
gnomAD v4.1: 666 of 1,603,166 alleles (0.042%); highest among the groups gnomAD compares: African/African-American, 0.66%; 3 homozygotes.

Submissions (2):

CeGaT Center for Human Genetics Tuebingen
Classification: Likely benign. Last evaluated: 2022-09-01. Review status: criteria provided, single submitter. Criteria: CeGaT Center For Human Genetics Tuebingen Variant Classification Criteria Version 2. Collection method: clinical testing. Allele origin: germline. Affected: yes. Observed: 1 variant allele.
Comment: XIRP1: BP4, BS2

PreventionGenetics, part of Exact Sciences
Classification: Benign for XIRP1-related condition. Last evaluated: 2020-02-04. Review status: no assertion criteria provided. Collection method: clinical testing. Allele origin: germline. Not counted in ClinVar's aggregate classification.
Comment: This variant is classified as benign based on ACMG/AMP sequence variant interpretation guidelines (Richards et al. 2015 PMID: 25741868, with internal and published modifications).